The following is an entry in ClinVar:

ClinVar aggregate classification (germline): Likely pathogenic. Review status: criteria provided, multiple submitters, no conflicts (2 of 4 stars). 2 submissions from 2 submitters: Likely pathogenic (2). Last evaluated 2025-09-10.

Conditions:
Stromme syndrome (STROMS). Also called: Ciliary dyskinesia, primary, 31; Strømme Syndrome; APPLE PEEL SYNDROME WITH MICROCEPHALY AND OCULAR ANOMALIES. Identifiers: Orphanet 444069, Orphanet 506307, MedGen C1855705, MONDO:0009477, OMIM 243605.

gnomAD v4.1: 1 of 1,613,934 alleles (0.000062%); highest among the groups gnomAD compares: South Asian, 0.0011%; no homozygotes.

Submissions (2):

Genomic Medicine Center of Excellence, King Faisal Specialist Hospital and Research Centre
Classification: Likely pathogenic for Stromme syndrome. Last evaluated: 2025-09-10. Review status: criteria provided, single submitter. Criteria: ACMG Guidelines, 2015. Collection method: clinical testing. Allele origin: germline.

College of Medicine Research Centre, King Saud Univeristy
Classification: Likely pathogenic for Stromme syndrome. Last evaluated: 2019-03-31. Review status: criteria provided, single submitter. Criteria: ACMG Guidelines, 2015. Collection method: clinical testing. Allele origin: germline. Inheritance: Autosomal recessive inheritance. Affected: yes. Observed: 2 variant alleles, 2 homozygotes.
Comment: CENPF gene, c.1195-2A>G; Chr1(GRCh37): g 214803875A>G. This is a nonsense substitution variant in the canonic splicing site; therefore, it interrupts the splicing.

NM_016343.4(CENPF):c.1195-2A>G

Gene: CENPF (centromere protein F; plus strand). Cytogenetic location: 1q41.
Variant type: single nucleotide variant.
Coding change: c.1195-2A>G on transcript NM_016343.4 (MANE Select); the canonical splice acceptor site of the intron before coding-DNA position 1195, A replaced by G.
Molecular consequence: splice acceptor variant.
Genome position (GRCh38, 1-based): chr1:214,630,532, A>G. VCF-style: chr1-214630532-A-G. GRCh37 (hg19) VCF-style: chr1-214803875-A-G.
Identifiers: ClinVar variation 690279 (VCV000690279.5), dbSNP rs1571707321, ClinGen allele CA344814368.